The following is an entry in ClinVar:

ClinVar aggregate classification (germline): Uncertain significance (1 of 4 stars; one submission).

Conditions:
Hereditary pancreatitis (PCTT). Also called: Hereditary chronic pancreatitis; PRSS1-Related Hereditary Pancreatitis. Identifiers: Orphanet 676, MedGen C0238339, MONDO:0008185, OMIM 167800.

Submission:

Ambry Genetics
Classification: Uncertain significance for Hereditary pancreatitis. Last evaluated: 2024-05-18. Review status: criteria provided, single submitter. Criteria: Ambry Variant Classification Scheme 2023. Collection method: clinical testing. Allele origin: germline.
Comment: The p.I45V variant (also known as c.133A>G) is located in coding exon 3 of the CTRC gene. The isoleucine at codon 45 is replaced by valine, an amino acid with highly similar properties. This change occurs in the first base pair of coding exon 3. This amino acid position is conserved. In addition, this alteration is predicted to be tolerated by in silico analysis. Based on the available evidence, the clinical significance of this variant remains unclear.

NM_007272.3(CTRC):c.133A>G (p.Ile45Val)

Gene: CTRC (chymotrypsin C; plus strand). Cytogenetic location: 1p36.21.
Variant type: single nucleotide variant.
Coding change: c.133A>G on transcript NM_007272.3 (MANE Select); coding-DNA position 133, A replaced by G.
Protein change: p.Ile45Val; replaces isoleucine 45 with valine.
Molecular consequence: missense variant.
Genome position (GRCh38, 1-based): chr1:15,440,493, A>G. VCF-style: chr1-15440493-A-G. GRCh37 (hg19) VCF-style: chr1-15766989-A-G.
Other names: short protein forms I45V.
Identifiers: ClinVar variation 3270197 (VCV003270197.1).